The following is an entry in ClinVar:

NM_001853.4(COL9A3):c.1711A>G (p.Ile571Val)

Gene: COL9A3 (collagen type IX alpha 3 chain; plus strand). Cytogenetic location: 20q13.33.
Variant type: single nucleotide variant.
Coding change: c.1711A>G on transcript NM_001853.4 (MANE Select); coding-DNA position 1711, A replaced by G.
Protein change: p.Ile571Val; replaces isoleucine 571 with valine.
Molecular consequence: missense variant.
Genome position (GRCh38, 1-based): chr20:62,837,190, A>G. VCF-style: chr20-62837190-A-G. GRCh37 (hg19) VCF-style: chr20-61468542-A-G.
Other names: short protein forms I571V.
Identifiers: ClinVar variation 4798115 (VCV004798115.1).

ClinVar aggregate classification (germline): Uncertain significance (1 of 4 stars; one submission).

gnomAD v4.1: 1 of 1,612,638 alleles (0.000062%); highest among the groups gnomAD compares: Non-Finnish European, 0.000085%; no homozygotes.

Submission:

Labcorp Genetics (formerly Invitae), Labcorp
Classification: Uncertain significance. Last evaluated: 2025-09-01. Review status: criteria provided, single submitter. Criteria: Invitae Variant Classification Sherloc (09022015). Collection method: clinical testing. Allele origin: germline.
Comment: This sequence change replaces isoleucine, which is neutral and non-polar, with valine, which is neutral and non-polar, at codon 571 of the COL9A3 protein (p.Ile571Val). This variant is not present in population databases (gnomAD no frequency). This variant has not been reported in the literature in individuals affected with COL9A3-related conditions. Invitae Evidence Modeling of protein sequence and biophysical properties (such as structural, functional, and spatial information, amino acid conservation, physicochemical variation, residue mobility, and thermodynamic stability) indicates that this missense variant is not expected to disrupt COL9A3 protein function with a negative predictive value of 95%. In summary, the available evidence is currently insufficient to determine the role of this variant in disease. Therefore, it has been classified as a Variant of Uncertain Significance.